The following is an entry in ClinVar:

NM_001286577.2(C2CD3):c.4328A>T (p.Asp1443Val)

Gene: C2CD3 (C2 domain containing 3 centriole elongation regulator; minus strand). Cytogenetic location: 11q13.4.
Variant type: single nucleotide variant.
Coding change: c.4328A>T on transcript NM_001286577.2 (MANE Select); coding-DNA position 4328, A replaced by T.
Protein change: p.Asp1443Val; replaces aspartic acid 1443 with valine.
Molecular consequence: missense variant.
Genome position (GRCh38, 1-based): chr11:74,078,390, T>A on the plus strand (A>T on the coding strand, the complement: C2CD3 is on the minus strand). VCF-style: chr11-74078390-T-A. GRCh37 (hg19) VCF-style: chr11-73789435-T-A.
Other names: c.4328A>T, p.Asp1443Val (NM_015531.6); short protein forms D1443V.
Identifiers: ClinVar variation 2231308 (VCV002231308.2), dbSNP rs775375446, ClinGen allele CA6182161.

ClinVar aggregate classification (germline): Uncertain significance (1 of 4 stars; one submission).

Conditions:
Inborn genetic diseases. Identifiers: MedGen C0950123, MeSH D030342.

Allele frequency attached by ClinVar (database versions not stated): gnomAD 0.00002.
gnomAD v4.1: 6 of 1,614,060 alleles (0.00037%); highest among the groups gnomAD compares: African/African-American, 0.008%; no homozygotes.

Submission:

Ambry Genetics
Classification: Uncertain significance for Inborn genetic diseases. Last evaluated: 2021-06-08. Review status: criteria provided, single submitter. Criteria: Ambry Variant Classification Scheme 2023. Collection method: clinical testing. Allele origin: germline.
Comment: The c.4328A>T (p.D1443V) alteration is located in exon 23 (coding exon 23) of the C2CD3 gene. This alteration results from a A to T substitution at nucleotide position 4328, causing the aspartic acid (D) at amino acid position 1443 to be replaced by a valine (V). The in silico prediction for the p.D1443V alteration is inconclusive. Based on insufficient or conflicting evidence, the clinical significance of this alteration remains unclear.